The following is an entry in ClinVar:

ClinVar aggregate classification (germline): Pathogenic. Review status: criteria provided, multiple submitters, no conflicts (2 of 4 stars). 2 submissions from 2 submitters: Pathogenic (2). Last evaluated 2025-10-04.

Conditions:
Spinocerebellar ataxia, autosomal recessive, with axonal neuropathy 2 (SCAN2). Also called: Ataxia with Oculomotor Apraxia; Ataxia with Oculomotor Apraxia Type 2; Ataxia-ocular apraxia-2; ATAXIA-OCULOMOTOR APRAXIA 2. Identifiers: Orphanet 64753, MedGen C1853761, MONDO:0018996, OMIM 606002.
Amyotrophic lateral sclerosis type 4 (ALS4). Also called: NEURONOPATHY, DISTAL HEREDITARY MOTOR, WITH PYRAMIDAL FEATURES; AMYOTROPHIC LATERAL SCLEROSIS 4, JUVENILE. Identifiers: Orphanet 357043, MedGen C1865409, MONDO:0011223, OMIM 602433.

Allele frequency attached by ClinVar (database versions not stated): gnomAD 0.00002; TOPMed 0.00002.
gnomAD v4.1: 10 of 1,614,102 alleles (0.00062%); highest among the groups gnomAD compares: African/African-American, 0.0067%; no homozygotes.

Submissions (2):

Labcorp Genetics (formerly Invitae), Labcorp
Classification: Pathogenic for Amyotrophic lateral sclerosis type 4; Spinocerebellar ataxia, autosomal recessive, with axonal neuropathy 2. Last evaluated: 2025-10-04. Review status: criteria provided, single submitter. Criteria: Invitae Variant Classification Sherloc (09022015). Collection method: clinical testing. Allele origin: germline.
Comment: This sequence change creates a premature translational stop signal (p.Ser1618*) in the SETX gene. It is expected to result in an absent or disrupted protein product. Loss-of-function variants in SETX are known to be pathogenic (PMID: 14770181). This variant is present in population databases (rs553512431, gnomAD 0.01%). This premature translational stop signal has been observed in individual(s) with autosomal recessive SETX-related conditions (PMID: 40068357). ClinVar contains an entry for this variant (Variation ID: 873523). For these reasons, this variant has been classified as Pathogenic.

Illumina Laboratory Services, Illumina
Classification: Pathogenic for Spinocerebellar ataxia, autosomal recessive, with axonal neuropathy 2. Last evaluated: 2020-01-09. Review status: criteria provided, single submitter. Criteria: ICSLVariantClassificationCriteria RUGD 01 April 2020. Collection method: clinical testing. Allele origin: unknown.
Comment: The SETX c.4853C>G (p.Ser1618Ter) variant is a stop-gained variant that is predicted to result in a premature termination of the protein. A literature search was performed for the gene, cDNA change, and amino acid change. No publications were found based on this search. The p.Ser1618Ter variant is reported at a frequency of 0.000120 in the African population of the Genome Aggregation Database. Based on the predicted truncating nature of the variant, its rarity, identification in a homozygous state and application of the ACMG criteria, the p.Ser1618Ter variant is classified as pathogenic for autosomal recessive ataxia with oculomotor apraxia type 2.

Literature cited by the submitters: PubMed 14770181 (cited by Labcorp Genetics (formerly Invitae), Labcorp); PubMed 40068357 (cited by Labcorp Genetics (formerly Invitae), Labcorp).

NM_015046.7(SETX):c.4853C>G (p.Ser1618Ter)

Gene: SETX (senataxin; minus strand). Cytogenetic location: 9q34.13.
Variant type: single nucleotide variant.
Coding change: c.4853C>G on transcript NM_015046.7 (MANE Select); coding-DNA position 4853, C replaced by G.
Protein change: p.Ser1618Ter; replaces serine 1618 with a stop codon.
Molecular consequence: nonsense.
Genome position (GRCh38, 1-based): chr9:132,326,745, G>C on the plus strand (C>G on the coding strand, the complement: SETX is on the minus strand). VCF-style: chr9-132326745-G-C. GRCh37 (hg19) VCF-style: chr9-135202132-G-C.
Other names: c.4853C>G, p.Ser1618Ter (NM_001351527.2, NM_001351528.2); short protein forms S1618*.
Identifiers: ClinVar variation 873523 (VCV000873523.5), dbSNP rs553512431, ClinGen allele CA5297125.